The following is an entry in ClinVar:

Conditions:
Long QT syndrome 5 (LQT5). Identifiers: Orphanet 101016, Orphanet 768, MedGen C1867904, MONDO:0013372, OMIM 613695.

Submission:

Roden Lab, Vanderbilt University Medical Center
No classification provided (evidence only). Condition: Long QT syndrome 5. Review status: no classification provided. Collection method: in vitro. Allele origin: not applicable. Functional consequence: Effect on ion channel function.
ClinVar note: "not provided" was previously submitted as the classification for the variant. However, the classification appeared to be based only on an observation of functional data so it was converted to no classification on 2025-07-30.

NM_000219.6(KCNE1):c.194A>G (p.Tyr65Cys)

Gene: KCNE1 (potassium voltage-gated channel subfamily E regulatory subunit 1; minus strand). Cytogenetic location: 21q22.12.
Variant type: single nucleotide variant.
Coding change: c.194A>G on transcript NM_000219.6 (MANE Select); coding-DNA position 194, A replaced by G.
Protein change: p.Tyr65Cys; replaces tyrosine 65 with cysteine.
Molecular consequence: missense variant.
Genome position (GRCh38, 1-based): chr21:34,449,441, T>C on the plus strand (A>G on the coding strand, the complement: KCNE1 is on the minus strand). VCF-style: chr21-34449441-T-C. GRCh37 (hg19) VCF-style: chr21-35821739-T-C.
Other names: c.194A>G, p.Tyr65Cys (NM_001127668.4, NM_001127669.4, NM_001127670.4 and 4 more transcripts); short protein forms Y65C.
Identifiers: ClinVar variation 3374297 (VCV003374297.2).